The following is an entry in ClinVar:

ClinVar aggregate classification (germline): Uncertain significance (1 of 4 stars; one submission).

Conditions:
Familial hemophagocytic lymphohistiocytosis 3 (FHL3). Also called: UNC13D-Related Familial Hemophagocytic Lymphohistiocytosis (UNC13D-fHLH). Identifiers: Orphanet 540, MedGen C1837174, MONDO:0012146, OMIM 608898.

Submission:

Labcorp Genetics (formerly Invitae), Labcorp
Classification: Uncertain significance for Familial hemophagocytic lymphohistiocytosis 3. Last evaluated: 2022-03-24. Review status: criteria provided, single submitter. Criteria: Invitae Variant Classification Sherloc (09022015). Collection method: clinical testing. Allele origin: germline.
Comment: This sequence change replaces asparagine, which is neutral and polar, with isoleucine, which is neutral and non-polar, at codon 813 of the UNC13D protein (p.Asn813Ile). This variant is not present in population databases (gnomAD no frequency). This variant has not been reported in the literature in individuals affected with UNC13D-related conditions. Algorithms developed to predict the effect of missense changes on protein structure and function are either unavailable or do not agree on the potential impact of this missense change (SIFT: "Not Available"; PolyPhen-2: "Probably Damaging"; Align-GVGD: "Not Available"). In summary, the available evidence is currently insufficient to determine the role of this variant in disease. Therefore, it has been classified as a Variant of Uncertain Significance.

NM_199242.3(UNC13D):c.2438A>T (p.Asn813Ile)

Gene: UNC13D (unc-13 homolog D; minus strand). Cytogenetic location: 17q25.1.
Variant type: single nucleotide variant.
Coding change: c.2438A>T on transcript NM_199242.3 (MANE Select); coding-DNA position 2438, A replaced by T.
Protein change: p.Asn813Ile; replaces asparagine 813 with isoleucine.
Molecular consequence: missense variant.
Genome position (GRCh38, 1-based): chr17:75,832,975, T>A on the plus strand (A>T on the coding strand, the complement: UNC13D is on the minus strand). VCF-style: chr17-75832975-T-A. GRCh37 (hg19) VCF-style: chr17-73829056-T-A.
Other names: short protein forms N813I.
Identifiers: ClinVar variation 2116535 (VCV002116535.1), dbSNP rs2545978860, ClinGen allele CA401084598.